The following is an entry in ClinVar:

NM_001555.5(IGSF1):c.1746G>C (p.Glu582Asp)

Gene: IGSF1 (immunoglobulin superfamily member 1; minus strand). Cytogenetic location: Xq26.1.
Variant type: single nucleotide variant.
Coding change: c.1746G>C on transcript NM_001555.5 (MANE Select); coding-DNA position 1746, G replaced by C.
Protein change: p.Glu582Asp; replaces glutamic acid 582 with aspartic acid.
Molecular consequence: missense variant.
Genome position (GRCh38, 1-based): chrX:131,279,147, C>G on the plus strand (G>C on the coding strand, the complement: IGSF1 is on the minus strand). VCF-style: chrX-131279147-C-G. GRCh37 (hg19) VCF-style: chrX-130413121-C-G.
Other names: c.1746G>C, p.Glu582Asp (NM_001438812.1, NM_001438813.1, NM_001438815.1); c.1761G>C, p.Glu587Asp (NM_001438814.1, NM_001170961.2, NM_001438811.1); c.1719G>C, p.Glu573Asp (NM_001170962.2); short protein forms E587D, E573D, E582D.
Identifiers: ClinVar variation 4622017 (VCV004622017.2).

ClinVar aggregate classification (germline): Uncertain significance. Review status: criteria provided, multiple submitters, no conflicts (2 of 4 stars). 2 submissions from 2 submitters: Uncertain significance (2). Last evaluated 2025-09-27.

Conditions:
IGSF1-related disorder. Also called: IGSF1-related condition.
Inborn genetic diseases. Identifiers: MedGen C0950123, MeSH D030342.

gnomAD v4.1: 14 of 1,207,485 alleles (0.0012%); highest among the groups gnomAD compares: Admixed American, 0.017%; no homozygotes.

Submissions (2):

Ambry Genetics
Classification: Uncertain significance for Inborn genetic diseases. Last evaluated: 2025-09-27. Review status: criteria provided, single submitter. Criteria: Ambry Variant Classification Scheme 2023. Collection method: clinical testing. Allele origin: germline.

PreventionGenetics, part of Exact Sciences
Classification: Uncertain significance for IGSF1-related condition. Last evaluated: 2025-07-30. Review status: criteria provided, single submitter. Criteria: ACMG Guidelines, 2015. Collection method: clinical testing. Allele origin: germline.
Comment: The IGSF1 c.1761G>C variant is predicted to result in the amino acid substitution p.Glu587Asp. To our knowledge, this variant has not been reported in the literature. This variant is reported in 0.018% of alleles in individuals of Latino descent in gnomAD. Although we suspect that this variant may be benign, at this time, the clinical significance of this variant is uncertain due to the absence of conclusive functional and genetic evidence.